The following is an entry in ClinVar:

NM_005271.5(GLUD1):c.1470G>A (p.Thr490=)

Gene: GLUD1 (glutamate dehydrogenase 1; minus strand). Cytogenetic location: 10q23.2.
Variant type: single nucleotide variant.
Coding change: c.1470G>A on transcript NM_005271.5 (MANE Select); coding-DNA position 1470, G replaced by A.
Protein change: p.Thr490=; no amino-acid change (threonine 490 retained).
Molecular consequence: synonymous variant.
Genome position (GRCh38, 1-based): chr10:87,057,715, C>T on the plus strand (G>A on the coding strand, the complement: GLUD1 is on the minus strand). VCF-style: chr10-87057715-C-T. GRCh37 (hg19) VCF-style: chr10-88817472-C-T.
Other names: c.1071G>A, p.Thr357= (NM_001318900.1); c.969G>A, p.Thr323= (NM_001318901.1, NM_001318902.1, NM_001318904.2 and 2 more transcripts).
Identifiers: ClinVar variation 129163 (VCV000129163.28), dbSNP rs141844887, ClinGen allele CA152995.

ClinVar aggregate classification (germline): Benign/Likely benign. Review status: criteria provided, multiple submitters, no conflicts (2 of 4 stars). 9 submissions from 9 submitters: Benign (6); Likely benign (3). Last evaluated 2026-01-27.

Conditions:
Inborn genetic diseases. Identifiers: MedGen C0950123, MeSH D030342.
Hyperinsulinism-hyperammonemia syndrome (HHF6). Identifiers: Orphanet 35878, MedGen C1847555, MONDO:0011717, OMIM 606762.

Allele frequency attached by ClinVar (database versions not stated): gnomAD exomes 0.00073 and 0.00197; ExAC 0.00265; gnomAD 0.00776 and 0.00818; TOPMed 0.00829; ESP Exome Variant Server 0.00930; 1000 Genomes Project 30x 0.00968; 1000 Genomes Project 0.00998.
gnomAD v4.1: 2,278 of 1,588,530 alleles (0.14%); highest among the groups gnomAD compares: African/African-American, 2.7%; 34 homozygotes.

Submissions (13):

Labcorp Genetics (formerly Invitae), Labcorp
Classification: Benign for Hyperinsulinism-hyperammonemia syndrome. Last evaluated: 2026-01-27. Review status: criteria provided, single submitter. Criteria: Invitae Variant Classification Sherloc (09022015). Collection method: clinical testing. Allele origin: germline.

Women's Health and Genetics/Laboratory Corporation of America, LabCorp
Classification: Benign. Last evaluated: 2024-12-06. Review status: criteria provided, single submitter. Criteria: LabCorp Variant Classification Summary - May 2015. Collection method: clinical testing. Allele origin: germline.

Ambry Genetics
Classification: Likely benign for Inborn genetic diseases. Last evaluated: 2022-03-03. Review status: criteria provided, single submitter. Criteria: Ambry Variant Classification Scheme 2023. Collection method: clinical testing. Allele origin: germline.

Genetic Services Laboratory, University of Chicago
Classification: Benign. Last evaluated: 2020-11-10. Review status: criteria provided, single submitter. Criteria: ACMG Guidelines, 2015. Collection method: clinical testing. Allele origin: germline. Affected: no.

Illumina Laboratory Services, Illumina
Classification: Likely benign for Hyperinsulinism-hyperammonemia syndrome. Last evaluated: 2018-01-13. Review status: criteria provided, single submitter. Criteria: ICSL Variant Classification Criteria 13 December 2019. Collection method: clinical testing. Allele origin: germline.
Comment: This variant was observed in the ICSL laboratory as part of a predisposition screen in an ostensibly healthy population. It had not been previously curated by ICSL or reported in the Human Gene Mutation Database (HGMD: prior to June 1st, 2018), and was therefore a candidate for classification through an automated scoring system. Utilizing variant allele frequency, disease prevalence and penetrance estimates, and inheritance mode, an automated score was calculated to assess if this variant is too frequent to cause the disease. Based on the score and internal cut-off values, a variant classified as likely benign is not then subjected to further curation. The score for this variant resulted in a classification of likely benign for this disease.

Athena Diagnostics
Classification: Benign. Last evaluated: 2017-11-13. Review status: criteria provided, single submitter. Criteria: Athena Diagnostics Criteria. Collection method: clinical testing. Allele origin: germline.

GeneDx
Classification: Benign. Last evaluated: 2015-03-03. Review status: criteria provided, single submitter. Criteria: GeneDx Variant Classification Process June 2021. Collection method: clinical testing. Allele origin: germline. Affected: yes.

Breakthrough Genomics
Classification: Likely benign. Review status: criteria provided, single submitter. Criteria: ACMG Guidelines, 2015. Collection method: not provided. Allele origin: germline. Inheritance: Autosomal dominant inheritance. Affected: yes.

PreventionGenetics, part of Exact Sciences
Classification: Benign. Review status: criteria provided, single submitter. Criteria: ACMG Guidelines, 2015. Collection method: clinical testing. Allele origin: germline.

Dr. Peter K. Rogan Lab, Western University
No classification provided (evidence only). Condition: Uterine corpus endometrial carcinoma. Review status: no classification provided. Collection method: in vitro. Allele origin: not applicable. Functional consequence: retained intron. Not counted in ClinVar's aggregate classification.

Dr. Peter K. Rogan Lab, Western University
No classification provided (evidence only). Condition: Cervical cancer. Review status: no classification provided. Collection method: in vitro. Allele origin: not applicable. Functional consequence: retained intron. Not counted in ClinVar's aggregate classification.

Dr. Peter K. Rogan Lab, Western University
No classification provided (evidence only). Condition: Ovarian serous cystadenocarcinoma. Review status: no classification provided. Collection method: in vitro. Allele origin: not applicable. Functional consequence: retained intron. Not counted in ClinVar's aggregate classification.

Dr. Peter K. Rogan Lab, Western University
No classification provided (evidence only). Condition: Ovarian serous cystadenocarcinoma. Review status: no classification provided. Collection method: in vitro. Allele origin: not applicable. Functional consequence: retained intron. Not counted in ClinVar's aggregate classification.